The following is an entry in ClinVar:

NM_000059.4(BRCA2):c.645A>C (p.Glu215Asp)

Gene: BRCA2 (BRCA2 DNA repair associated; plus strand). Cytogenetic location: 13q13.1.
Variant type: single nucleotide variant.
Coding change: c.645A>C on transcript NM_000059.4 (MANE Select); coding-DNA position 645, A replaced by C.
Protein change: p.Glu215Asp; replaces glutamic acid 215 with aspartic acid.
Molecular consequence: missense variant.
Genome position (GRCh38, 1-based): chr13:32,329,456, A>C. VCF-style: chr13-32329456-A-C. GRCh37 (hg19) VCF-style: chr13-32903593-A-C.
Other names: c.645A>C, p.Glu215Asp (NM_001406719.1, NM_001406720.1, NM_001406721.1); c.276A>C, p.Glu92Asp (NM_001406722.1); short protein forms E215D, E92D.
Identifiers: ClinVar variation 1965022 (VCV001965022.5), dbSNP rs2137458220, ClinGen allele CA387759397.
Genomic context (GRCh38, chr13:32,329,456, plus strand): 5'-TGCATTCTAGTGATAATATACAATACACATAAATTTTTATCTTACAGTCAGAAATGAAGA[A>C]GCATCTGAAACTGTATTTCCTCATGATACTACTGCTGTAAGTAAATATGACATTGATTAG-3'
Protein context (NP_000050.3, residues 205-225): SSTVLIVRNE[Glu215Asp]ASETVFPHDT

ClinVar aggregate classification (germline): Uncertain significance (1 of 4 stars; one submission).

Conditions:
Hereditary breast ovarian cancer syndrome. Also called: Hereditary breast and ovarian cancer syndrome (HBOC); Hereditary breast and/or ovarian cancer syndrome; Hereditary breast and ovarian cancer syndrome; Breast and ovarian cancer; BRCA1- and BRCA2-Associated Hereditary Breast and Ovarian Cancer; Hereditary breast and ovarian cancer. Identifiers: Orphanet 145, MedGen C0677776, MeSH D061325, MONDO:0003582. Disease mechanism: loss of function.

Submission:

Labcorp Genetics (formerly Invitae), Labcorp
Classification: Uncertain significance for Hereditary breast ovarian cancer syndrome. Last evaluated: 2025-07-28. Review status: criteria provided, single submitter. Criteria: Invitae Variant Classification Sherloc (09022015). Collection method: clinical testing. Allele origin: germline.
Comment: This sequence change replaces glutamic acid, which is acidic and polar, with aspartic acid, which is acidic and polar, at codon 215 of the BRCA2 protein (p.Glu215Asp). This variant is not present in population databases (gnomAD no frequency). This variant has not been reported in the literature in individuals affected with BRCA2-related conditions. ClinVar contains an entry for this variant (Variation ID: 1965022). Invitae Evidence Modeling of protein sequence and biophysical properties (such as structural, functional, and spatial information, amino acid conservation, physicochemical variation, residue mobility, and thermodynamic stability) indicates that this missense variant is not expected to disrupt BRCA2 protein function with a negative predictive value of 95%. In summary, the available evidence is currently insufficient to determine the role of this variant in disease. Therefore, it has been classified as a Variant of Uncertain Significance.